The following is an entry in ClinVar:

NM_006767.4(LZTR1):c.1042C>T (p.Pro348Ser)

Gene: LZTR1 (leucine zipper like post translational regulator 1; plus strand). Cytogenetic location: 22q11.21.
Variant type: single nucleotide variant.
Coding change: c.1042C>T on transcript NM_006767.4 (MANE Select); coding-DNA position 1042, C replaced by T.
Protein change: p.Pro348Ser; replaces proline 348 with serine.
Molecular consequence: missense variant.
Genome position (GRCh38, 1-based): chr22:20,992,262, C>T. VCF-style: chr22-20992262-C-T. GRCh37 (hg19) VCF-style: chr22-21346551-C-T.
Other names: short protein forms P348S.
Identifiers: ClinVar variation 1774505 (VCV001774505.6), dbSNP rs767839536, ClinGen allele CA10118705.

ClinVar aggregate classification (germline): Conflicting classifications of pathogenicity. Review status: criteria provided, conflicting classifications (1 of 4 stars). 2 submissions from 2 submitters: Uncertain significance (1); Likely benign (1). Last evaluated 2024-03-01.

Conditions:
Cardiovascular phenotype. Identifiers: MedGen CN230736.
Hereditary cancer-predisposing syndrome. Also called: Hereditary Cancer Syndrome; Hereditary neoplastic syndrome; Neoplastic Syndromes, Hereditary; Tumor predisposition. Identifiers: Orphanet 140162, MedGen C0027672, MeSH D009386, MONDO:0015356.

Allele frequency attached by ClinVar (database versions not stated): TOPMed 0.00001.
gnomAD v4.1: 8 of 1,613,884 alleles (0.0005%); highest among the groups gnomAD compares: African/African-American, 0.004%; no homozygotes.

Submissions (2):

Labcorp Genetics (formerly Invitae), Labcorp
Classification: Uncertain significance. Last evaluated: 2024-03-01. Review status: criteria provided, single submitter. Criteria: Invitae Variant Classification Sherloc (09022015). Collection method: clinical testing. Allele origin: germline.
Comment: This sequence change replaces proline, which is neutral and non-polar, with serine, which is neutral and polar, at codon 348 of the LZTR1 protein (p.Pro348Ser). The frequency data for this variant in the population databases is considered unreliable, as metrics indicate poor data quality at this position in the gnomAD database. This variant has not been reported in the literature in individuals affected with LZTR1-related conditions. ClinVar contains an entry for this variant (Variation ID: 1774505). Advanced modeling of protein sequence and biophysical properties (such as structural, functional, and spatial information, amino acid conservation, physicochemical variation, residue mobility, and thermodynamic stability) performed at Invitae indicates that this missense variant is not expected to disrupt LZTR1 protein function with a negative predictive value of 80%. In summary, the available evidence is currently insufficient to determine the role of this variant in disease. Therefore, it has been classified as a Variant of Uncertain Significance.

Ambry Genetics
Classification: Likely benign for Cardiovascular phenotype; Hereditary cancer-predisposing syndrome. Last evaluated: 2024-01-26. Review status: criteria provided, single submitter. Criteria: Ambry Variant Classification Scheme 2023. Collection method: clinical testing. Allele origin: germline.